The following is an entry in ClinVar:

NM_024063.3(AFG2B):c.516C>G (p.Pro172=)

Gene: AFG2B (AAA ATPase AFG2B; plus strand). Cytogenetic location: 15q21.1.
Variant type: single nucleotide variant.
Coding change: c.516C>G on transcript NM_024063.3 (MANE Select); coding-DNA position 516, C replaced by G.
Protein change: p.Pro172=; no amino-acid change (proline 172 retained).
Molecular consequence: synonymous variant. On other transcripts: non-coding transcript variant (5).
Genome position (GRCh38, 1-based): chr15:45,402,945, C>G. VCF-style: chr15-45402945-C-G. GRCh37 (hg19) VCF-style: chr15-45695143-C-G.
Other names: c.516C>G, p.Pro172= (NM_001323640.2).
Identifiers: ClinVar variation 4873064 (VCV004873064.2).

ClinVar aggregate classification (germline): Likely benign (1 of 4 stars; one submission).

gnomAD v4.1: 88 of 1,597,912 alleles (0.0055%); highest among the groups gnomAD compares: Non-Finnish European, 0.0073%; no homozygotes.

Submission:

CeGaT Center for Human Genetics Tuebingen
Classification: Likely benign. Last evaluated: 2026-04-01. Review status: criteria provided, single submitter. Criteria: CeGaT Center For Human Genetics Tuebingen Variant Classification Criteria Version 2. Collection method: clinical testing. Allele origin: germline. Affected: yes. Observed: 1 variant allele.
Comment: AFG2B: BP4, BP7